The following is an entry in ClinVar:

ClinVar aggregate classification (germline): Uncertain significance (1 of 4 stars; one submission).

Conditions:
Deficiency of adenosine deaminase 2. Also called: Polyarteritis nodosa, childhoood-onset; VASCULITIS, AUTOINFLAMMATION, IMMUNODEFICIENCY, AND HEMATOLOGIC DEFECTS SYNDROME; Adenosine Deaminase 2 Deficiency. Identifiers: Orphanet 404553, MedGen C3887654, MONDO:0014306, OMIM 615688, MONDO:0100317.

Submission:

Labcorp Genetics (formerly Invitae), Labcorp
Classification: Uncertain significance for Deficiency of adenosine deaminase 2. Last evaluated: 2021-05-30. Review status: criteria provided, single submitter. Criteria: Invitae Variant Classification Sherloc (09022015). Collection method: clinical testing. Allele origin: germline.
Comment: Algorithms developed to predict the effect of missense changes on protein structure and function (SIFT, PolyPhen-2, Align-GVGD) all suggest that this variant is likely to be tolerated, but these predictions have not been confirmed by published functional studies and their clinical significance is uncertain. This variant has not been reported in the literature in individuals with ADA2-related conditions. This variant is not present in population databases (ExAC no frequency). This sequence change replaces aspartic acid with asparagine at codon 292 of the ADA2 protein (p.Asp292Asn). The aspartic acid residue is highly conserved and there is a small physicochemical difference between aspartic acid and asparagine. In summary, the available evidence is currently insufficient to determine the role of this variant in disease. Therefore, it has been classified as a Variant of Uncertain Significance.

NM_001282225.2(ADA2):c.874G>A (p.Asp292Asn)

Gene: ADA2 (adenosine deaminase 2; minus strand). Cytogenetic location: 22q11.1.
Variant type: single nucleotide variant.
Coding change: c.874G>A on transcript NM_001282225.2 (MANE Select); coding-DNA position 874, G replaced by A.
Protein change: p.Asp292Asn; replaces aspartic acid 292 with asparagine.
Molecular consequence: missense variant.
Genome position (GRCh38, 1-based): chr22:17,191,690, C>T on the plus strand (G>A on the coding strand, the complement: ADA2 is on the minus strand). VCF-style: chr22-17191690-C-T. GRCh37 (hg19) VCF-style: chr22-17672580-C-T.
Other names: c.874G>A, p.Asp292Asn (NM_001282226.2); c.748G>A, p.Asp250Asn (NM_001282227.2, NM_001282228.2); c.514G>A, p.Asp172Asn (NM_001282229.2); c.151G>A, p.Asp51Asn (NM_177405.3); short protein forms D250N, D51N, D172N, D292N.
Identifiers: ClinVar variation 1504807 (VCV001504807.8), dbSNP rs2123651243, ClinGen allele CA410225265.